The following is an entry in ClinVar:

ClinVar aggregate classification (germline): Uncertain significance (1 of 4 stars; one submission).

Submission:

GeneDx
Classification: Uncertain significance. Last evaluated: 2026-10-08. Review status: criteria provided, single submitter. Criteria: GeneDx Variant Classification Process June 2021. Collection method: clinical testing. Allele origin: germline.
Comment: Not observed at significant frequency in large population cohorts (gnomAD); In silico analysis supports that this missense variant has a deleterious effect on protein structure/function; Has not been previously published as pathogenic or benign to our knowledge

NM_198514.4(NHLRC2):c.484T>G (p.Trp162Gly)

Gene: NHLRC2 (NHL repeat containing 2; plus strand). Cytogenetic location: 10q25.3.
Variant type: single nucleotide variant.
Coding change: c.484T>G on transcript NM_198514.4 (MANE Select); coding-DNA position 484, T replaced by G.
Protein change: p.Trp162Gly; replaces tryptophan 162 with glycine.
Molecular consequence: missense variant.
Genome position (GRCh38, 1-based): chr10:113,876,673, T>G. VCF-style: chr10-113876673-T-G. GRCh37 (hg19) VCF-style: chr10-115636432-T-G.
Other names: short protein forms W162G.
Identifiers: ClinVar variation 3781081 (VCV003781081.2).